The following is an entry in ClinVar:

NM_000322.5(PRPH2):c.476T>C (p.Leu159Pro)

Gene: PRPH2 (peripherin 2; minus strand). Cytogenetic location: 6p21.1.
Variant type: single nucleotide variant.
Coding change: c.476T>C on transcript NM_000322.5 (MANE Select); coding-DNA position 476, T replaced by C.
Protein change: p.Leu159Pro; replaces leucine 159 with proline.
Molecular consequence: missense variant.
Genome position (GRCh38, 1-based): chr6:42,721,859, A>G on the plus strand (T>C on the coding strand, the complement: PRPH2 is on the minus strand). VCF-style: chr6-42721859-A-G. GRCh37 (hg19) VCF-style: chr6-42689597-A-G.
Other names: short protein forms L159P.
Identifiers: ClinVar variation 3635280 (VCV003635280.3).

ClinVar aggregate classification (germline): Conflicting classifications of pathogenicity. Review status: criteria provided, conflicting classifications (1 of 4 stars). 2 submissions from 2 submitters: Likely pathogenic (1); Uncertain significance (1). Last evaluated 2024-02-17.

Conditions:
PRPH2-related disorder. Also called: PRPH2-related disorders; PRPH2-related condition. Identifiers: MedGen CN239395.
Vitelliform macular dystrophy 3 (VMD3). Also called: PRPH2 vitelliform macular dystrophy; vitelliform macular dystrophy caused by mutation in PRPH2. Identifiers: MedGen CN295869, MONDO:0024561, OMIM 608161.

gnomAD v4.1: 1 of 1,614,218 alleles (0.000062%); highest among the groups gnomAD compares: South Asian, 0.0011%; no homozygotes.

Submissions (2):

Labcorp Genetics (formerly Invitae), Labcorp
Classification: Uncertain significance for PRPH2-related disorder. Last evaluated: 2024-02-17. Review status: criteria provided, single submitter. Criteria: Invitae Variant Classification Sherloc (09022015). Collection method: clinical testing. Allele origin: germline.
Comment: This sequence change replaces leucine, which is neutral and non-polar, with proline, which is neutral and non-polar, at codon 159 of the PRPH2 protein (p.Leu159Pro). This variant is not present in population databases (gnomAD no frequency). This variant has not been reported in the literature in individuals affected with PRPH2-related conditions. Advanced modeling of protein sequence and biophysical properties (such as structural, functional, and spatial information, amino acid conservation, physicochemical variation, residue mobility, and thermodynamic stability) performed at Invitae indicates that this missense variant is expected to disrupt PRPH2 protein function with a positive predictive value of 95%. In summary, the available evidence is currently insufficient to determine the role of this variant in disease. Therefore, it has been classified as a Variant of Uncertain Significance.

Center for Human Genetics and Genomic Medicine, Uniklinik Rwth Aachen
Classification: Likely pathogenic for Vitelliform macular dystrophy 3. Review status: criteria provided, single submitter. Criteria: ACMG Guidelines, 2015. Collection method: clinical testing. Allele origin: unknown. Inheritance: Autosomal dominant inheritance. Affected: yes.